The following is an entry in ClinVar:

NM_033380.3(COL4A5):c.3447_3454+5del

Gene: COL4A5 (collagen type IV alpha 5 chain; plus strand). Cytogenetic location: Xq22.3.
Variant type: Deletion.
Coding change: c.3447_3454+5del on transcript NM_033380.3 (MANE Select); coding-DNA position 3447 through 5 bases into the intron after coding-DNA position 3454, 13 bases deleted (TCCTGTAGGTAAG).
Molecular consequence: splice donor variant.
Genome position (GRCh38, 1-based): chrX:108,665,580-108,665,592, TCCTGTAGGTAAG deleted; deleting any 13 consecutive bases within chrX:108,665,579-108,665,592 gives the same sequence; the c. name uses the placement nearest the transcript's 3' end. VCF-style (leftmost placement, unchanged base first): chrX-108665578-GGTCCTGTAGGTAA-G. GRCh37 (hg19) VCF-style: chrX-107908808-GGTCCTGTAGGTAA-G.
Other names: c.3447_3454+5del (NM_000495.5).
Identifiers: ClinVar variation 4818586 (VCV004818586.1).
Genomic context (GRCh38, chrX:108,665,578, plus strand): 5'-CCTCCTGGACCAAAAGGTATTAGTGGCCCTCCTGGGAACCCCGGCCTTCCAGGAGAACCT[GGTCCTGTAGGTAA>G]GCATGAAAAATAACAGTTTGCTGTTTTATAAAACTAATGTTTATCATATTAAGTTTGGGA-3'

ClinVar aggregate classification (germline): Likely pathogenic (1 of 4 stars; one submission).

Conditions:
X-linked Alport syndrome (ATS1). Also called: NEPHROPATHY AND DEAFNESS, X-LINKED; COL4A5-Related Nephropathy. Identifiers: Orphanet 63, Orphanet 88917, MedGen C4746986, MONDO:0010520, OMIM 301050.

Submission:

Natera, Inc.
Classification: Likely pathogenic for X-linked Alport syndrome. Last evaluated: 2025-12-22. Review status: criteria provided, single submitter. Criteria: Natera Variant Classification Schema (03/2026). Collection method: clinical testing. Allele origin: germline.
Comment: The c.3447_3454+5del variant in COL4A5 is a frameshift variant predicted to shift the reading frame and introduce a stop codon. This variant is expected to result in nonsense mediated decay, truncation, or a dysfunctional protein product. This variant is rare in the general population with a frequency below the threshold expected for the associated phenotype(s). Given the available evidence, this variant is classified as Likely Pathogenic.